The following is an entry in ClinVar:

ClinVar aggregate classification (germline): Uncertain significance (1 of 4 stars; one submission).

Conditions:
Developmental and epileptic encephalopathy, 36 (DEE36). Also called: ALG13-CDG; Congenital disorder of glycosylation, type Is; Epileptic encephalopathy, early infantile, 36. Identifiers: Orphanet 324422, MedGen C4317295, MONDO:0010472, OMIM 300884.

Submission:

Labcorp Genetics (formerly Invitae), Labcorp
Classification: Uncertain significance for Developmental and epileptic encephalopathy, 36. Last evaluated: 2022-02-04. Review status: criteria provided, single submitter. Criteria: Invitae Variant Classification Sherloc (09022015). Collection method: clinical testing. Allele origin: germline.
Comment: This variant has not been reported in the literature in individuals affected with ALG13-related conditions. This sequence change replaces valine, which is neutral and non-polar, with isoleucine, which is neutral and non-polar, at codon 835 of the ALG13 protein (p.Val835Ile). This variant is not present in population databases (gnomAD no frequency). ClinVar contains an entry for this variant (Variation ID: 860616). Algorithms developed to predict the effect of missense changes on protein structure and function output the following: SIFT: "Tolerated"; PolyPhen-2: "Benign"; Align-GVGD: "Class C0". The isoleucine amino acid residue is found in multiple mammalian species, which suggests that this missense change does not adversely affect protein function. In summary, the available evidence is currently insufficient to determine the role of this variant in disease. Therefore, it has been classified as a Variant of Uncertain Significance.

NM_001099922.3(ALG13):c.2503G>A (p.Val835Ile)

Gene: ALG13 (ALG13 UDP-N-acetylglucosaminyltransferase subunit; plus strand). Cytogenetic location: Xq23.
Variant type: single nucleotide variant.
Coding change: c.2503G>A on transcript NM_001099922.3 (MANE Select); coding-DNA position 2503, G replaced by A.
Protein change: p.Val835Ile; replaces valine 835 with isoleucine.
Molecular consequence: missense variant. On other transcripts: non-coding transcript variant (1).
Genome position (GRCh38, 1-based): chrX:111,735,096, G>A. VCF-style: chrX-111735096-G-A. GRCh37 (hg19) VCF-style: chrX-110978324-G-A.
Other names: c.2191G>A, p.Val731Ile (NM_001257230.2, NM_001257234.2, NM_001257237.2); c.2269G>A, p.Val757Ile (NM_001257231.2); c.2503G>A, p.Val835Ile (NM_001324292.2); c.2017G>A, p.Val673Ile (NM_001324293.1); short protein forms V835I, V731I, V757I, V673I.
Identifiers: ClinVar variation 860616 (VCV000860616.10), dbSNP rs1943108263, ClinGen allele CA414254219.